The following is an entry in ClinVar:

ClinVar aggregate classification (germline): Uncertain significance. Review status: criteria provided, multiple submitters, no conflicts (2 of 4 stars). 2 submissions from 2 submitters: Uncertain significance (2). Last evaluated 2025-07-01.

Allele frequency attached by ClinVar (database versions not stated): TOPMed 0.00001; gnomAD exomes 0.00004; ExAC 0.00005.
gnomAD v4.1: 66 of 1,614,042 alleles (0.0041%); highest among the groups gnomAD compares: Middle Eastern, 0.049%; no homozygotes.

Submissions (2):

Labcorp Genetics (formerly Invitae), Labcorp
Classification: Uncertain significance. Last evaluated: 2025-07-01. Review status: criteria provided, single submitter. Criteria: Invitae Variant Classification Sherloc (09022015). Collection method: clinical testing. Allele origin: germline.
Comment: This sequence change replaces arginine, which is basic and polar, with glutamine, which is neutral and polar, at codon 328 of the NFS1 protein (p.Arg328Gln). This variant is present in population databases (rs771261417, gnomAD 0.005%). This variant has not been reported in the literature in individuals affected with NFS1-related conditions. ClinVar contains an entry for this variant (Variation ID: 2511010). An algorithm developed to predict the effect of missense changes on protein structure and function outputs the following: PolyPhen-2: "Benign". The glutamine amino acid residue is found in multiple mammalian species, which suggests that this missense change does not adversely affect protein function. In summary, the available evidence is currently insufficient to determine the role of this variant in disease. Therefore, it has been classified as a Variant of Uncertain Significance.

Ambry Genetics
Classification: Uncertain significance. Last evaluated: 2023-03-27. Review status: criteria provided, single submitter. Criteria: Ambry Variant Classification Scheme 2023. Collection method: clinical testing. Allele origin: germline.

NM_021100.5(NFS1):c.983G>A (p.Arg328Gln)

Gene: NFS1 (NFS1 cysteine desulfurase; minus strand). Cytogenetic location: 20q11.22.
Variant type: single nucleotide variant.
Coding change: c.983G>A on transcript NM_021100.5 (MANE Select); coding-DNA position 983, G replaced by A.
Protein change: p.Arg328Gln; replaces arginine 328 with glutamine.
Molecular consequence: missense variant. On other transcripts: non-coding transcript variant (1).
Genome position (GRCh38, 1-based): chr20:35,674,583, C>T on the plus strand (G>A on the coding strand, the complement: NFS1 is on the minus strand). VCF-style: chr20-35674583-C-T. GRCh37 (hg19) VCF-style: chr20-34262505-C-T.
Other names: c.830G>A, p.Arg277Gln (NM_001198989.2); short protein forms R277Q, R328Q.
Identifiers: ClinVar variation 2511010 (VCV002511010.3), dbSNP rs771261417, ClinGen allele CA9837088.